The following is an entry in ClinVar:

ClinVar aggregate classification (germline): Likely benign. Review status: criteria provided, multiple submitters, no conflicts (2 of 4 stars). 2 submissions from 2 submitters: Likely benign (2). Last evaluated 2025-10-27.

Conditions:
STING-associated vasculopathy with onset in infancy. Also called: Sting-associated vasculopathy, infantile-onset. Identifiers: Orphanet 425120, MedGen C4014722, MONDO:0014405, OMIM 615934.

Allele frequency attached by ClinVar (database versions not stated): ExAC 0.00002; gnomAD exomes 0.00001; gnomAD 0.00002; ESP Exome Variant Server 0.00008; TOPMed 0.00002.
gnomAD v4.1: 17 of 1,613,960 alleles (0.0011%); highest among the groups gnomAD compares: Non-Finnish European, 0.0014%; no homozygotes.

Submissions (2):

Mayo Clinic Laboratories, Mayo Clinic
Classification: Likely benign. Last evaluated: 2025-10-27. Review status: criteria provided, single submitter. Criteria: ACMG Guidelines, 2015. Collection method: clinical testing. Allele origin: germline. Observed: 2 variant alleles.
Comment: BP4, BP7

Labcorp Genetics (formerly Invitae), Labcorp
Classification: Likely benign for STING-associated vasculopathy with onset in infancy. Last evaluated: 2025-10-05. Review status: criteria provided, single submitter. Criteria: Invitae Variant Classification Sherloc (09022015). Collection method: clinical testing. Allele origin: germline.

NM_198282.4(STING1):c.726C>T (p.Asn242=)

Gene: STING1 (stimulator of interferon response cGAMP interactor 1; minus strand). Cytogenetic location: 5q31.2.
Variant type: single nucleotide variant.
Coding change: c.726C>T on transcript NM_198282.4 (MANE Select); coding-DNA position 726, C replaced by T.
Protein change: p.Asn242=; no amino-acid change (asparagine 242 retained).
Molecular consequence: synonymous variant.
Genome position (GRCh38, 1-based): chr5:139,478,303, G>A on the plus strand (C>T on the coding strand, the complement: STING1 is on the minus strand). VCF-style: chr5-139478303-G-A. GRCh37 (hg19) VCF-style: chr5-138857888-G-A.
Other names: p.Asn242=; c.726C>T, p.Asn242= (NM_001301738.2); c.369C>T, p.Asn123= (NM_001367258.1).
Identifiers: ClinVar variation 798822 (VCV000798822.12), dbSNP rs371971795, ClinGen allele CA3435337.
Genomic context (GRCh38, chr5:139,478,303, plus strand): 5'-GAGACCCCCACTCCCCTGCACACTTACCCGCTGCCCGTTCTCCAGAAGCTCATAGATGCT[G>A]TTGCTGTAAACCCGATCCTTGATGCCAGCATGGTCACCGGTCTGCTGGGGCAGTTTATCC-3'
Protein context (NP_938023.1, residues 232-252): HAGIKDRVYS[Asn242=]SIYELLENGQ